The following is an entry in ClinVar:

ClinVar aggregate classification (germline): Uncertain significance (1 of 4 stars; one submission).

Conditions:
CHARGE syndrome (CHARGE). Also called: Coloboma, heart anomaly, choanal atresia, retardation, genital and ear anomalies; CHARGE association; Hall-Hittner syndrome; Hittner Hirsch Kreh syndrome; CHARGE ASSOCIATION--COLOBOMA, HEART ANOMALY, CHOANAL ATRESIA, RETARDATION, GENITAL AND EAR ANOMALIES. Identifiers: Orphanet 138, MedGen C0265354, MONDO:0008965.

Submission:

Labcorp Genetics (formerly Invitae), Labcorp
Classification: Uncertain significance for CHARGE syndrome. Last evaluated: 2021-03-05. Review status: criteria provided, single submitter. Criteria: Invitae Variant Classification Sherloc (09022015). Collection method: clinical testing. Allele origin: germline.
Comment: In summary, the available evidence is currently insufficient to determine the role of this variant in disease. Therefore, it has been classified as a Variant of Uncertain Significance. Advanced modeling of protein sequence and biophysical properties (such as structural, functional, and spatial information, amino acid conservation, physicochemical variation, residue mobility, and thermodynamic stability) performed at Invitae indicates that this missense variant is not expected to disrupt CHD7 protein function. This variant has not been reported in the literature in individuals with CHD7-related conditions. This variant is not present in population databases (ExAC no frequency). This sequence change replaces aspartic acid with glutamic acid at codon 2754 of the CHD7 protein (p.Asp2754Glu). The aspartic acid residue is highly conserved and there is a small physicochemical difference between aspartic acid and glutamic acid.

NM_017780.4(CHD7):c.8262C>G (p.Asp2754Glu)

Gene: CHD7 (chromodomain helicase DNA binding protein 7; plus strand). Cytogenetic location: 8q12.2.
Variant type: single nucleotide variant.
Coding change: c.8262C>G on transcript NM_017780.4 (MANE Select); coding-DNA position 8262, C replaced by G.
Protein change: p.Asp2754Glu; replaces aspartic acid 2754 with glutamic acid.
Molecular consequence: missense variant.
Genome position (GRCh38, 1-based): chr8:60,865,201, C>G. VCF-style: chr8-60865201-C-G. GRCh37 (hg19) VCF-style: chr8-61777760-C-G.
Other names: c.2115C>G, p.Asp705Glu (NM_001316690.1); short protein forms D705E, D2754E.
Identifiers: ClinVar variation 1501485 (VCV001501485.8), dbSNP rs1369699481, ClinGen allele CA371308002.
Genomic context (GRCh38, chr8:60,865,201, plus strand): 5'-TGTGGCCTCCACGTCAGGGATCAACCCTTTGCTGGTGAACAGCCTGTTTGCTGGAATGGA[C>G]CTGACGAGCCTTCAGAATCTCCAGAATCTCCAGTCGCTCCAGCTGGCAGGCCTCATGGGC-3'
Protein context (NP_060250.2, residues 2744-2764): LLVNSLFAGM[Asp2754Glu]LTSLQNLQNL